The following is an entry in ClinVar:

NM_024649.5(BBS1):c.995C>A (p.Thr332Asn)

Genes: BBS1 (Bardet-Biedl syndrome 1; plus strand), ZDHHC24 (zDHHC palmitoyltransferase 24; minus strand). Cytogenetic location: 11q13.2.
Variant type: single nucleotide variant.
Coding change: c.995C>A on transcript NM_024649.5 (MANE Select); coding-DNA position 995, C replaced by A.
Protein change: p.Thr332Asn; replaces threonine 332 with asparagine.
Molecular consequence: missense variant. On other transcripts: intron variant (1).
Genome position (GRCh38, 1-based): chr11:66,523,767, C>A. VCF-style: chr11-66523767-C-A. GRCh37 (hg19) VCF-style: chr11-66291238-C-A.
Other names: c.*22-2301G>T (NM_001348571.2); short protein forms T332N.
Identifiers: ClinVar variation 4982793 (VCV004982793.1).
Genomic context (GRCh38, chr11:66,523,767, plus strand): 5'-TGGCTGTTCCCTGCCAGGGGAAGAAGCTGTGGACAGTGCAGATGCCCGCAGCCATCCTGA[C>A]CATGAACCTCCTGGAGCAGCATTCCCGGGGCCTGCAGGCCGTCATGGCTGGGCTGGCCAA-3'
Protein context (NP_078925.3, residues 322-342): WTVQMPAAIL[Thr332Asn]MNLLEQHSRG

ClinVar aggregate classification (germline): Uncertain significance (1 of 4 stars; one submission).

Conditions:
BBS1-related disorder. Also called: BBS1-related condition.

Submission:

PreventionGenetics, part of Exact Sciences
Classification: Uncertain significance for BBS1-related condition. Last evaluated: 2026-07-02. Review status: criteria provided, single submitter. Criteria: ACMG Guidelines, 2015. Collection method: clinical testing. Allele origin: germline.
Comment: The BBS1 c.995C>A variant is predicted to result in the amino acid substitution p.Thr332Asn. To our knowledge, this variant has not been reported in the literature or in a large population database (gnomAD), indicating this variant is rare. At this time, the clinical significance of this variant is uncertain due to the absence of conclusive functional and genetic evidence.